The following is an entry in ClinVar:

NM_000153.4(GALC):c.430del (p.Ile144fs)

Gene: GALC (galactosylceramidase; minus strand). Cytogenetic location: 14q31.3.
Variant type: Deletion.
Coding change: c.430del on transcript NM_000153.4 (MANE Select); coding-DNA position 430, one base deleted (A; older notation c.430delA).
Protein change: p.Ile144fs; shifts the reading frame from isoleucine 144.
Molecular consequence: frameshift variant.
Genome position (GRCh38, 1-based): chr14:87,986,501, T deleted on the plus strand (A on the coding strand, the reverse complement: GALC is on the minus strand). VCF-style (leftmost placement, unchanged base first): chr14-87986500-AT-A. GRCh37 (hg19) VCF-style: chr14-88452844-AT-A.
Other names: c.430del (NM_000153.3); c.361del, p.Ile121fs (NM_001201401.2); c.352del, p.Ile118fs (NM_001201402.2); short protein forms I121fs, I118fs, I144fs.
Identifiers: ClinVar variation 197110 (VCV000197110.24), dbSNP rs775277935, ClinGen allele CA275239.

ClinVar aggregate classification (germline): Pathogenic. Review status: criteria provided, multiple submitters, no conflicts (2 of 4 stars). 9 submissions from 9 submitters: Pathogenic (9). Last evaluated 2026-01-15.

Conditions:
GALC-related disorder. Also called: GALC-related condition.
GALC-related disorders.
Galactosylceramide beta-galactosidase deficiency. Also called: Leukodystrophy, Globoid Cell; GALACTOCEREBROSIDASE DEFICIENCY; GALC DEFICIENCY; GLOBOID CELL LEUKOENCEPHALOPATHY; Krabbe Disease. Identifiers: Orphanet 487, MedGen C0023521, MONDO:0009499, OMIM 245200.

Allele frequency attached by ClinVar (database versions not stated): gnomAD exomes 0.00001 and 0.00002; gnomAD 0.00002; ExAC 0.00003; TOPMed 0.00003; ESP Exome Variant Server 0.00017.

Submissions (9):

Natera, Inc.
Classification: Pathogenic for Galactosylceramide beta-galactosidase deficiency. Last evaluated: 2026-01-15. Review status: criteria provided, single submitter. Criteria: Natera Variant Classification Schema (03/2026). Collection method: clinical testing. Allele origin: germline.
Comment: The c.430delA variant in GALC is a frameshift variant predicted to shift the reading frame beginning at codon 144 and leads to a stop codon 27 codons downstream. This variant is expected to result in nonsense mediated decay, truncation, or a dysfunctional protein product. This variant is rare in the general population with a frequency below the threshold expected for the associated phenotype(s). This variant has been observed in one or more individuals affected with the associated recessive disease, as either homozygous or compound heterozygous with a second variant (PMID: 32912261). Given the available evidence, this variant is classified as Pathogenic.

GeneDx
Classification: Pathogenic. Last evaluated: 2025-09-06. Review status: criteria provided, single submitter. Criteria: GeneDx Variant Classification Process June 2021. Collection method: clinical testing. Allele origin: germline. Affected: yes.
Comment: Frameshift variant predicted to result in protein truncation or nonsense mediated decay in a gene for which loss of function is a known mechanism of disease; Not observed at significant frequency in large population cohorts (gnomAD); This variant is associated with the following publications: (PMID: 26795590, 9338580, 30777126)

PreventionGenetics, part of Exact Sciences
Classification: Pathogenic for GALC-related condition. Last evaluated: 2025-05-15. Review status: criteria provided, single submitter. Criteria: ACMG Guidelines, 2015. Collection method: clinical testing. Allele origin: germline.
Comment: The GALC c.430delA variant is predicted to result in a frameshift and premature protein termination (p.Ile144Leufs*27). This variant, also referred to in the literature as c.382delA, has been reported in multiple individuals with Krabbe disease (Patient 6 in Wenger et al 1997. PubMed ID: 9338580; Patients 7, 16, and 20 in Beltran-Quintero et al. 2019. PubMed ID: 30777126). This variant is reported in 0.0035% of alleles in individuals of European (Non-Finnish) descent in gnomAD. Frameshift variants in GALC are expected to be pathogenic. This variant is interpreted as pathogenic.

Blueprint Genetics
Classification: Pathogenic for GALC-related disorders. Last evaluated: 2024-11-19. Review status: criteria provided, single submitter. Criteria: ACMG Guidelines, 2015. Collection method: clinical testing. Allele origin: germline. Affected: yes. Observed: 4 variant alleles.

Labcorp Genetics (formerly Invitae), Labcorp
Classification: Pathogenic for Galactosylceramide beta-galactosidase deficiency. Last evaluated: 2024-03-16. Review status: criteria provided, single submitter. Criteria: Invitae Variant Classification Sherloc (09022015). Collection method: clinical testing. Allele origin: germline.
Comment: This sequence change creates a premature translational stop signal (p.Ile144Leufs*27) in the GALC gene. It is expected to result in an absent or disrupted protein product. Loss-of-function variants in GALC are known to be pathogenic (PMID: 7437911, 9272171, 16607461). This variant is present in population databases (rs775277935, gnomAD 0.004%). This premature translational stop signal has been observed in individuals with Krabbe disease (PMID: 9338580, 30777126). This variant is also known as 382delA. ClinVar contains an entry for this variant (Variation ID: 197110). For these reasons, this variant has been classified as Pathogenic.

Fulgent Genetics
Classification: Pathogenic for Galactosylceramide beta-galactosidase deficiency. Last evaluated: 2024-01-05. Review status: criteria provided, single submitter. Criteria: ACMG Guidelines, 2015. Collection method: clinical testing. Allele origin: germline.

Revvity Omics, Revvity
Classification: Pathogenic. Last evaluated: 2023-06-05. Review status: criteria provided, single submitter. Criteria: ACMG Guidelines, 2015. Collection method: clinical testing. Allele origin: germline.

Women's Health and Genetics/Laboratory Corporation of America, LabCorp
Classification: Pathogenic for Galactosylceramide beta-galactosidase deficiency. Last evaluated: 2019-06-07. Review status: criteria provided, single submitter. Criteria: LabCorp Variant Classification Summary - May 2015. Collection method: clinical testing. Allele origin: germline.
Comment: Variant summary: GALC c.430delA (p.Ile144LeufsX27) results in a premature termination codon, predicted to cause a truncation of the encoded protein or absence of the protein due to nonsense mediated decay, which are commonly known mechanisms for disease. Truncations downstream of this position have been classified as pathogenic by our laboratory. The variant allele was found at a frequency of 1.6e-05 in 249270 control chromosomes. c.430delA has been reported in the literature in multiple individuals affected with Krabbe Disease (Wenger_1997, Orsini_2016, Bascou_2018, Beltran-Quintero_2019). To our knowledge, no experimental evidence demonstrating a variant specific impact on protein function has been reported although almost all reported compound heterozygote patients had an enzymatically confirmed diagnosis of Krabbe Disease. One clinical diagnostic laboratory has submitted clinical-significance assessments for this variant to ClinVar after 2014 without evidence for independent evaluation and classified the variant as pathogenic. Based on the evidence outlined above, the variant was classified as pathogenic.

Eurofins Ntd Llc (ga)
Classification: Pathogenic. Last evaluated: 2014-05-13. Review status: criteria provided, single submitter. Criteria: EGL Classification Definitions 2015. Collection method: clinical testing. Allele origin: germline. Observed: 1 variant allele, 1 heterozygote.

Literature cited by the submitters: PubMed 32912261 (cited by Natera, Inc.); PubMed 7437911 (cited by Labcorp Genetics (formerly Invitae), Labcorp); PubMed 9272171 (cited by Labcorp Genetics (formerly Invitae), Labcorp); PubMed 16607461 (cited by Labcorp Genetics (formerly Invitae), Labcorp); PubMed 9338580 (cited by Labcorp Genetics (formerly Invitae), Labcorp and Women's Health and Genetics/Laboratory Corporation of America, LabCorp); PubMed 30777126 (cited by Labcorp Genetics (formerly Invitae), Labcorp and Women's Health and Genetics/Laboratory Corporation of America, LabCorp); PubMed 26795590 (cited by Women's Health and Genetics/Laboratory Corporation of America, LabCorp); PubMed 30089515 (cited by Women's Health and Genetics/Laboratory Corporation of America, LabCorp).